The following is an entry in ClinVar:

NM_000018.4(ACADVL):c.63-10C>T

Genes: ACADVL (acyl-CoA dehydrogenase very long chain; plus strand), LOC130060113 (ATAC-STARR-seq lymphoblastoid silent region 8088; plus strand). Cytogenetic location: 17p13.1.
Variant type: single nucleotide variant.
Coding change: c.63-10C>T on transcript NM_000018.4 (MANE Select); 10 bases into the intron before coding-DNA position 63, C replaced by T.
Molecular consequence: intron variant. On other transcripts: 5 prime UTR variant (1).
Genome position (GRCh38, 1-based): chr17:7,220,112, C>T. VCF-style: chr17-7220112-C-T. GRCh37 (hg19) VCF-style: chr17-7123431-C-T.
Other names: c.-176C>T (NM_001270448.2); c.132-10C>T (NM_001270447.2); c.63-10C>T (NM_001033859.3, NM_000018.3).
Identifiers: ClinVar variation 1156270 (VCV001156270.11), dbSNP rs2142960638, ClinGen allele CA2499224890.

ClinVar aggregate classification (germline): Likely benign. Review status: criteria provided, single submitter (1 of 4 stars). 2 submissions from 2 submitters: Likely benign (1). 1 of the submissions does not count toward it. Last evaluated 2025-11-21.

Conditions:
Very long chain acyl-CoA dehydrogenase deficiency (ACADVLD). Also called: Very Long-Chain Acyl-Coenzyme A Dehydrogenase Deficiency; VLCAD Deficiency. Identifiers: Orphanet 26793, MedGen C3887523, MONDO:0008723, OMIM 201475.
ACADVL-related disorder. Also called: ACADVL-related condition.

gnomAD v4.1: 1 of 1,578,274 alleles (0.000063%); no homozygotes.

Submissions (2):

Labcorp Genetics (formerly Invitae), Labcorp
Classification: Likely benign for Very long chain acyl-CoA dehydrogenase deficiency. Last evaluated: 2025-11-21. Review status: criteria provided, single submitter. Criteria: Invitae Variant Classification Sherloc (09022015). Collection method: clinical testing. Allele origin: germline.

PreventionGenetics, part of Exact Sciences
Classification: Likely benign for ACADVL-related condition. Last evaluated: 2023-10-18. Review status: no assertion criteria provided. Collection method: clinical testing. Allele origin: germline. Not counted in ClinVar's aggregate classification.
Comment: This variant is classified as likely benign based on ACMG/AMP sequence variant interpretation guidelines (Richards et al. 2015 PMID: 25741868, with internal and published modifications).